The following is an entry in ClinVar:

NM_000245.4(MET):c.2215C>T (p.Arg739Cys)

Gene: MET (MET proto-oncogene, receptor tyrosine kinase; plus strand). Cytogenetic location: 7q31.2.
Variant type: single nucleotide variant.
Coding change: c.2215C>T on transcript NM_000245.4 (MANE Select); coding-DNA position 2215, C replaced by T.
Protein change: p.Arg739Cys; replaces arginine 739 with cysteine.
Molecular consequence: missense variant.
Genome position (GRCh38, 1-based): chr7:116,758,571, C>T. VCF-style: chr7-116758571-C-T. GRCh37 (hg19) VCF-style: chr7-116398625-C-T.
Other names: c.2215C>T, p.Arg739Cys (NM_001127500.3, NM_001324401.3); c.925C>T, p.Arg309Cys (NM_001324402.2); short protein forms R309C, R739C.
Identifiers: ClinVar variation 820885 (VCV000820885.16), dbSNP rs45587940, ClinGen allele CA4448425.

ClinVar aggregate classification (germline): Conflicting classifications of pathogenicity. Review status: criteria provided, conflicting classifications (1 of 4 stars). 4 submissions from 4 submitters: Uncertain significance (3); Likely benign (1). Last evaluated 2025-12-29.

Conditions:
Renal cell carcinoma. Identifiers: Orphanet 217071, MedGen C0007134, MeSH D002292, MONDO:0005086, HP:0005584.
Hereditary cancer-predisposing syndrome. Also called: Neoplastic Syndromes, Hereditary; Tumor predisposition; Hereditary Cancer Syndrome; Hereditary neoplastic syndrome. Identifiers: Orphanet 140162, MedGen C0027672, MeSH D009386, MONDO:0015356.

Allele frequency attached by ClinVar (database versions not stated): ExAC 0.00002; gnomAD exomes 0.00002.
gnomAD v4.1: 17 of 1,613,526 alleles (0.0011%); highest among the groups gnomAD compares: South Asian, 0.0022%; no homozygotes.

Submissions (4):

Center for Genomic Medicine, Rigshospitalet, Copenhagen University Hospital
Classification: Uncertain significance. Last evaluated: 2025-12-29. Review status: criteria provided, single submitter. Criteria: ACMG Guidelines, 2015. Collection method: clinical testing. Allele origin: germline.

Labcorp Genetics (formerly Invitae), Labcorp
Classification: Uncertain significance for Renal cell carcinoma. Last evaluated: 2025-11-23. Review status: criteria provided, single submitter. Criteria: Invitae Variant Classification Sherloc (09022015). Collection method: clinical testing. Allele origin: germline.
Comment: This sequence change replaces arginine, which is basic and polar, with cysteine, which is neutral and slightly polar, at codon 739 of the MET protein (p.Arg739Cys). This variant is present in population databases (rs45587940, gnomAD 0.003%). This variant has not been reported in the literature in individuals affected with MET-related conditions. ClinVar contains an entry for this variant (Variation ID: 820885). Invitae Evidence Modeling of protein sequence and biophysical properties (such as structural, functional, and spatial information, amino acid conservation, physicochemical variation, residue mobility, and thermodynamic stability) indicates that this missense variant is not expected to disrupt MET protein function with a negative predictive value of 80%. In summary, the available evidence is currently insufficient to determine the role of this variant in disease. Therefore, it has been classified as a Variant of Uncertain Significance.

Ambry Genetics
Classification: Likely benign for Hereditary cancer-predisposing syndrome. Last evaluated: 2024-07-18. Review status: criteria provided, single submitter. Criteria: Ambry Variant Classification Scheme 2023. Collection method: clinical testing. Allele origin: germline.

GeneDx
Classification: Uncertain significance. Last evaluated: 2024-01-19. Review status: criteria provided, single submitter. Criteria: GeneDx Variant Classification Process June 2021. Collection method: clinical testing. Allele origin: germline. Affected: yes.
Comment: Not observed at significant frequency in large population cohorts (gnomAD); In silico analysis supports that this missense variant has a deleterious effect on protein structure/function; Identified in a patient with breast and/or ovarian cancer (PMID: 27153395); This variant is associated with the following publications: (PMID: 29641532, 27153395)

Literature cited by the submitters: PubMed 27153395 (cited by Ambry Genetics); PubMed 29641532 (cited by Ambry Genetics).